The following is an entry in ClinVar:

ClinVar aggregate classification (germline): Uncertain significance. Review status: criteria provided, multiple submitters, no conflicts (2 of 4 stars). 5 submissions from 5 submitters: Uncertain significance (5). Last evaluated 2025-11-10.

Conditions:
GRHPR-related disorder. Also called: GRHPR-related condition.
Primary hyperoxaluria, type II (HP2). Also called: D-GLYCERATE DEHYDROGENASE DEFICIENCY; GLYCERIC ACIDURIA; OXALOSIS II; Primary hyperoxaluria type 2; GLYOXYLATE REDUCTASE/HYDROXYPYRUVATE REDUCTASE DEFICIENCY. Identifiers: Orphanet 416, Orphanet 93599, MedGen C0268165, MONDO:0009824, OMIM 260000. Disease mechanism: loss of function.
Nephrolithiasis/nephrocalcinosis. Identifiers: MedGen CN580796.

Allele frequency attached by ClinVar (database versions not stated): gnomAD exomes 0.00008 and 0.00015; TOPMed 0.00009; gnomAD 0.00011; ExAC 0.00013; ESP Exome Variant Server 0.00054.
gnomAD v4.1: 231 of 1,606,280 alleles (0.014%); highest among the groups gnomAD compares: Non-Finnish European, 0.019%; no homozygotes.

Submissions (5):

Ambry Genetics
Classification: Uncertain significance for Nephrolithiasis/nephrocalcinosis. Last evaluated: 2025-11-10. Review status: criteria provided, single submitter. Criteria: Ambry Variant Classification Scheme 2023. Collection method: clinical testing. Allele origin: germline.

PreventionGenetics, part of Exact Sciences
Classification: Uncertain significance for GRHPR-related condition. Last evaluated: 2025-10-14. Review status: criteria provided, single submitter. Criteria: ACMG Guidelines, 2015. Collection method: clinical testing. Allele origin: germline.
Comment: The GRHPR c.296G>A variant is predicted to result in the amino acid substitution p.Arg99Gln. To our knowledge, this variant has not been reported in the literature. This variant is reported in 0.017% of alleles in individuals of European (Non-Finnish) descent in gnomAD. At this time, the clinical significance of this variant is uncertain due to the absence of conclusive functional and genetic evidence.

Labcorp Genetics (formerly Invitae), Labcorp
Classification: Uncertain significance. Last evaluated: 2021-09-17. Review status: criteria provided, single submitter. Criteria: Invitae Variant Classification Sherloc (09022015). Collection method: clinical testing. Allele origin: germline.
Comment: This sequence change replaces arginine with glutamine at codon 99 of the GRHPR protein (p.Arg99Gln). The arginine residue is highly conserved and there is a small physicochemical difference between arginine and glutamine. This variant is present in population databases (rs146603229, ExAC 0.02%). This variant has not been reported in the literature in individuals with GRHPR-related disease. Algorithms developed to predict the effect of missense changes on protein structure and function (SIFT, PolyPhen-2, Align-GVGD) all suggest that this variant is likely to be tolerated, but these predictions have not been confirmed by published functional studies and their clinical significance is uncertain. In summary, the available evidence is currently insufficient to determine the role of this variant in disease. Therefore, it has been classified as a Variant of Uncertain Significance.

Department of Pathology and Laboratory Medicine, Sinai Health System
Classification: Uncertain significance for Primary hyperoxaluria, type II. Last evaluated: 2021-09-09. Review status: criteria provided, single submitter. Criteria: ACMG Guidelines, 2015. Collection method: research. Allele origin: germline.

Illumina Laboratory Services, Illumina
Classification: Uncertain significance for Primary hyperoxaluria, type II. Last evaluated: 2018-01-13. Review status: criteria provided, single submitter. Criteria: ICSL Variant Classification Criteria 13 December 2019. Collection method: clinical testing. Allele origin: germline.

NM_012203.2(GRHPR):c.296G>A (p.Arg99Gln)

Gene: GRHPR (glyoxylate and hydroxypyruvate reductase; plus strand). Cytogenetic location: 9p13.2.
Variant type: single nucleotide variant.
Coding change: c.296G>A on transcript NM_012203.2 (MANE Select); coding-DNA position 296, G replaced by A.
Protein change: p.Arg99Gln; replaces arginine 99 with glutamine.
Molecular consequence: missense variant.
Genome position (GRCh38, 1-based): chr9:37,426,546, G>A. VCF-style: chr9-37426546-G-A. GRCh37 (hg19) VCF-style: chr9-37426543-G-A.
Other names: short protein forms R99Q.
Identifiers: ClinVar variation 914015 (VCV000914015.9), dbSNP rs146603229, ClinGen allele CA5058997.